The following is an entry in ClinVar:

NM_000350.3(ABCA4):c.3564T>A (p.Cys1188Ter)

Gene: ABCA4 (ATP binding cassette subfamily A member 4; minus strand). Cytogenetic location: 1p22.1.
Variant type: single nucleotide variant.
Coding change: c.3564T>A on transcript NM_000350.3 (MANE Select); coding-DNA position 3564, T replaced by A.
Protein change: p.Cys1188Ter; replaces cysteine 1188 with a stop codon.
Molecular consequence: nonsense.
Genome position (GRCh38, 1-based): chr1:94,040,086, A>T on the plus strand (T>A on the coding strand, the complement: ABCA4 is on the minus strand). VCF-style: chr1-94040086-A-T. GRCh37 (hg19) VCF-style: chr1-94505642-A-T.
Other names: c.3342T>A, p.Cys1114Ter (NM_001425324.1); short protein forms C1188*, C1114*.
Identifiers: ClinVar variation 1374297 (VCV001374297.6), dbSNP rs2101047010, ClinGen allele CA341290088.
Genomic context (GRCh38, chr1:94,040,086, plus strand): 5'-GCCCGTCCAGTCCTTACCATCCAGGACTTGTTCTGGAGTTAGGTCATCGACGTGGGCTGG[A>T]CACGTGGTGGAGAAACCCTTAGACGAGCAGCTGCAGGTCCCCTGCAACAGATGGATGGGA-3'

ClinVar aggregate classification (germline): Pathogenic (1 of 4 stars; one submission).

Submission:

Labcorp Genetics (formerly Invitae), Labcorp
Classification: Pathogenic. Last evaluated: 2023-06-22. Review status: criteria provided, single submitter. Criteria: Invitae Variant Classification Sherloc (09022015). Collection method: clinical testing. Allele origin: germline.
Comment: For these reasons, this variant has been classified as Pathogenic. ClinVar contains an entry for this variant (Variation ID: 1374297). This variant has not been reported in the literature in individuals affected with ABCA4-related conditions. This variant is not present in population databases (gnomAD no frequency). This sequence change creates a premature translational stop signal (p.Cys1188*) in the ABCA4 gene. It is expected to result in an absent or disrupted protein product. Loss-of-function variants in ABCA4 are known to be pathogenic (PMID: 10958761, 24938718, 25312043, 26780318).

Literature cited by the submitters: PubMed 10958761; PubMed 24938718; PubMed 25312043; PubMed 26780318.